The following is an entry in ClinVar:

NM_018417.6(ADCY10):c.1984C>T (p.Arg662Trp)

Gene: ADCY10 (adenylate cyclase 10; minus strand). Cytogenetic location: 1q24.2.
Variant type: single nucleotide variant.
Coding change: c.1984C>T on transcript NM_018417.6 (MANE Select); coding-DNA position 1984, C replaced by T.
Protein change: p.Arg662Trp; replaces arginine 662 with tryptophan.
Molecular consequence: missense variant.
Genome position (GRCh38, 1-based): chr1:167,856,352, G>A on the plus strand (C>T on the coding strand, the complement: ADCY10 is on the minus strand). VCF-style: chr1-167856352-G-A. GRCh37 (hg19) VCF-style: chr1-167825590-G-A.
Other names: c.1525C>T, p.Arg509Trp (NM_001167749.3); c.1708C>T, p.Arg570Trp (NM_001297772.2); short protein forms R509W, R570W, R662W.
Identifiers: ClinVar variation 4692907 (VCV004692907.1).

ClinVar aggregate classification (germline): Uncertain significance (1 of 4 stars; one submission).

gnomAD v4.1: 29 of 1,613,930 alleles (0.0018%); highest among the groups gnomAD compares: Admixed American, 0.02%; no homozygotes.

Submission:

Labcorp Genetics (formerly Invitae), Labcorp
Classification: Uncertain significance. Last evaluated: 2025-10-05. Review status: criteria provided, single submitter. Criteria: Invitae Variant Classification Sherloc (09022015). Collection method: clinical testing. Allele origin: germline.
Comment: This sequence change replaces arginine, which is basic and polar, with tryptophan, which is neutral and slightly polar, at codon 662 of the ADCY10 protein (p.Arg662Trp). This variant is present in population databases (rs758143916, gnomAD 0.01%). This variant has not been reported in the literature in individuals affected with ADCY10-related conditions. An algorithm developed to predict the effect of missense changes on protein structure and function (PolyPhen-2) suggests that this variant is likely to be disruptive. In summary, the available evidence is currently insufficient to determine the role of this variant in disease. Therefore, it has been classified as a Variant of Uncertain Significance.